The following is an entry in ClinVar:

ClinVar aggregate classification (germline): Uncertain significance. Review status: criteria provided, single submitter (1 of 4 stars). 2 submissions from 2 submitters: Uncertain significance (1). 1 of the submissions does not count toward it. Last evaluated 2022-09-14.

Conditions:
AUH-related disorder. Also called: AUH-related condition.

Allele frequency attached by ClinVar (database versions not stated): gnomAD exomes below 0.00001; TOPMed below 0.00001.
gnomAD v4.1: 1 of 1,614,176 alleles (0.000062%); highest among the groups gnomAD compares: South Asian, 0.0011%; no homozygotes.

Submissions (2):

GeneDx
Classification: Uncertain significance. Last evaluated: 2022-09-14. Review status: criteria provided, single submitter. Criteria: GeneDx Variant Classification Process June 2021. Collection method: clinical testing. Allele origin: germline. Affected: yes.
Comment: Has not been previously published as pathogenic or benign to our knowledge; Not observed at significant frequency in large population cohorts (gnomAD); In silico analysis supports that this missense variant has a deleterious effect on protein structure/function

PreventionGenetics, part of Exact Sciences
Classification: Uncertain significance for AUH-related condition. Last evaluated: 2024-05-13. Review status: no assertion criteria provided. Collection method: clinical testing. Allele origin: germline. Not counted in ClinVar's aggregate classification.
Comment: The AUH c.674C>T variant is predicted to result in the amino acid substitution p.Pro225Leu. To our knowledge, this variant has not been reported in the literature. This variant is reported in 0.0033% of alleles in individuals of South Asian descent in gnomAD. At this time, the clinical significance of this variant is uncertain due to the absence of conclusive functional and genetic evidence.

NM_001698.3(AUH):c.674C>T (p.Pro225Leu)

Gene: AUH (AU RNA binding methylglutaconyl-CoA hydratase; minus strand). Cytogenetic location: 9q22.31.
Variant type: single nucleotide variant.
Coding change: c.674C>T on transcript NM_001698.3 (MANE Select); coding-DNA position 674, C replaced by T.
Protein change: p.Pro225Leu; replaces proline 225 with leucine.
Molecular consequence: missense variant.
Genome position (GRCh38, 1-based): chr9:91,220,974, G>A on the plus strand (C>T on the coding strand, the complement: AUH is on the minus strand). VCF-style: chr9-91220974-G-A. GRCh37 (hg19) VCF-style: chr9-93983256-G-A.
Other names: c.587C>T, p.Pro196Leu (NM_001306190.2); c.347C>T, p.Pro116Leu (NM_001351431.2, NM_001351432.2, NM_001351433.2); short protein forms P116L, P196L, P225L.
Identifiers: ClinVar variation 2444710 (VCV002444710.2), dbSNP rs1489712698, ClinGen allele CA373835342.